The following continues an entry in ClinVar:

NM_016042.4(EXOSC3):c.395A>C (p.Asp132Ala)

Gene: EXOSC3. ClinVar aggregate classification (germline): Pathogenic. Pathogenic (34).

Submissions 15 to 33 of 43:

Greenwood Genetic Center Diagnostic Laboratories, Greenwood Genetic Center
Classification: Pathogenic for Pontocerebellar hypoplasia type 1B. Last evaluated: 2021-10-25. Review status: criteria provided, single submitter. Criteria: ACMG Guidelines, 2015. Collection method: clinical testing. Allele origin: germline. Affected: yes.
Comment: PM3_VS, PP1, PP3, PM2

Genetic Services Laboratory, University of Chicago
Classification: Pathogenic. Last evaluated: 2021-10-01. Review status: criteria provided, single submitter. Criteria: ACMG Guidelines, 2015. Collection method: clinical testing. Allele origin: germline. Affected: yes.

Laboratorio de Genetica e Diagnostico Molecular, Hospital Israelita Albert Einstein
Classification: Pathogenic for Pontocerebellar hypoplasia type 1B. Last evaluated: 2021-09-25. Review status: criteria provided, single submitter. Criteria: ACMG Guidelines, 2015. Collection method: clinical testing. Allele origin: germline. Affected: yes.
Comment: ACMG classification criteria: PS4 moderate, PM2 moderate, PM3 very strong, PP1 strong, PP3 supporting

Ambry Genetics
Classification: Pathogenic for Inborn genetic diseases. Last evaluated: 2021-08-03. Review status: criteria provided, single submitter. Criteria: Ambry Variant Classification Scheme 2023. Collection method: clinical testing. Allele origin: germline.
Comment: The c.395A>C (p.D132A) alteration is located in exon 2 (coding exon 2) of the EXOSC3 gene. This alteration results from an A to C substitution at nucleotide position 395, causing the aspartic acid (D) at amino acid position 132 to be replaced by an alanine (A). Based on data from the Genome Aggregation Database (gnomAD), the EXOSC3 c.395A>C alteration was observed in 0.04% (115/282766) of total alleles studied, with a frequency of 0.07% (94/129130) in the European (non-Finnish) subpopulation. The c.395A>C (p.D132A) alteration is the most common cause of EXOSC3-related pontocerebellar hypoplasia. This mutation has been reported in multiple affected individuals in the homozygous or compound heterozygous state (Wan, 2012; Biancheri, 2013; Eggens, 2014). The p.D132A alteration is predicted to be deleterious by in silico analysis. Based on the available evidence, this alteration is classified as pathogenic.

Kariminejad - Najmabadi Pathology & Genetics Center
Classification: Pathogenic for Abnormality of the nervous system. Last evaluated: 2021-07-10. Review status: criteria provided, single submitter. Criteria: ACMG Guidelines, 2015. Collection method: clinical testing. Allele origin: germline. Affected: yes.

GeneDx
Classification: Pathogenic. Last evaluated: 2021-03-26. Review status: criteria provided, single submitter. Criteria: GeneDx Variant Classification Process June 2021. Collection method: clinical testing. Allele origin: germline. Affected: yes.
Comment: In silico analysis supports that this missense variant has a deleterious effect on protein structure/function; This variant is associated with the following publications: (PMID: 23284067, 8147499, 22544365, 24524299, 23564332, 27777260, 25533962, 28687512, 11110791, 25326635, 30950035, 31692161, 30986545, 23975261, 31130284, 31980526, 33462000, 32645003, 31589614, 33163565, 33144682)

Institute of Human Genetics Munich, TUM University Hospital
Classification: Pathogenic for Pontocerebellar hypoplasia type 1B. Last evaluated: 2021-03-10. Review status: criteria provided, single submitter. Criteria: Classification criteria August 2017. Collection method: clinical testing. Allele origin: inherited. Inheritance: Autosomal recessive inheritance. Affected: yes. Observed: 1 variant allele.

Molecular Medicine for Neurodegenerative and Neuromuscular Diseases Unit, IRCCS Fondazione Stella Maris
Classification: Pathogenic for Pontocerebellar hypoplasia type 1B. Last evaluated: 2021-01-04. Review status: criteria provided, single submitter. Criteria: ACMG Guidelines, 2015. Collection method: research. Allele origin: inherited. Affected: yes.

Institute of Human Genetics, Cologne University
Classification: Pathogenic for Pontocerebellar hypoplasia type 1B. Last evaluated: 2020-09-30. Review status: criteria provided, single submitter. Criteria: ACMG Guidelines, 2015. Collection method: research. Allele origin: germline. Affected: yes.

New York Genome Center
Classification: Pathogenic for Pontocerebellar hypoplasia type 1B. Last evaluated: 2020-06-30. Review status: criteria provided, single submitter. Criteria: NYGC Assertion Criteria 2020. Collection method: clinical testing. Allele origin: inherited. Observed: 1 homozygote. Study: CSER-NYCKidSeq.
Comment: The c.395A>C, p.Asp132Ala missense variant identified in the EXOSC3 gene has been reported previously in multiple unrelated individuals with pontocerebellar hypoplasia type 1 [PMID: 22544365; PMID: 25149867; PMID: 23975261; PMID: 24524299; PMID: 29656927]. This variant has a frequency of 0.05% (69 heterozygous out of 143304 alleles) in gnomAD database which is low enough to be consistent with a recessive carrier frequency. This substitution occurs at a position that is conserved across species, and in silico analysis predicts this variant is probably damaging to the protein structure/function. Based on the available evidence, the variant c.395A>C, p.Asp132Ala in the EXOSC3 gene is classified as pathogenic.

Clinical Genetics, University of Leipzig
Classification: Pathogenic for Pontocerebellar hypoplasia, type 1B. Last evaluated: 2019-03-07. Review status: criteria provided, single submitter. Criteria: ACMG Guidelines, 2015. Collection method: clinical testing. Allele origin: paternal. Inheritance: Autosomal recessive inheritance. Affected: yes. Observed: 2 variant alleles, 2 compound heterozygotes.

Illumina Laboratory Services, Illumina
Classification: Pathogenic for Pontocerebellar hypoplasia type 1B. Last evaluated: 2018-12-12. Review status: criteria provided, single submitter. Criteria: ICSLVariantClassificationCriteria RUGD 01 April 2020. Collection method: clinical testing. Allele origin: unknown.
Comment: The EXOSC3 c.395A>C p.(Asp132Ala) missense variant has been identified in individuals with a phenotype consistent with pontocerebellar hypoplasia (Wan et al. 2012; Biancheri et al. 2013; Rudnik-Schöneborn et al. 2013; Zanni et al. 2013; Eggens et al. 2014; Schottman et al. 2017). At least one study indicated that a milder phenotype was observed when the variant was present in a homozygous state, but was more severe in individuals carrying the variant in a compound heterozygous state (Rudnik-Schöneborn et al. 2013). The highest frequency of this allele in the Genome Aggregation Database is 0.000904 in the European (non-Finnish) population (version 2.1.1). Morpholino knockdown of exosc3 in zebrafish embryos recapitulated the human phenotype; rescue of the abnormal phenotype was less effective with variant protein than wildtype protein (Wan et al. 2012). Functional studies in patient fibroblasts showed that the variant protein was largely retained in the cytosol and Golgi system compared with the speckled distribution in the nucleus of control cells (Schottman et al. 2017). Additionally, structural models in yeast Rrp40 demonstrate that the p.Asp132Ala variant impairs formation of a loop in the S1 domain, which is essential for interfacing with EXOSC5 and EXOSC9 (Fasken et al. 2017). Based on the collective evidence, the c.395A>C p.(Asp132Ala)variant is classified as pathogenic for pontocerebellar hypoplasia.

Broad Center for Mendelian Genomics, Broad Institute of MIT and Harvard
Classification: Pathogenic for Pontocerebellar hypoplasia type 1B. Last evaluated: 2018-12-03. Review status: criteria provided, single submitter. Criteria: ACMG Guidelines, 2015. Collection method: research. Allele origin: germline. Inheritance: Autosomal recessive inheritance. Affected: yes.
Comment: The p.Asp132Ala variant in EXOSC3 has been reported in 28 individuals with pontocerebellar hypoplasia, segregated with disease in 28 individuals with pontocerebellar hypoplasia with a variety of ethnic backgrounds (including Cuban, Canadian, European, Turkish, American, and Australian) and segregated with disease in 4 affected relatives from 2 families (PMID: 29656927, 22544365, 23975261, 24524299), and has been identified in 0.07279% (94/129130) of European (non-Finnish) chromosome by the Genome Aggregation Database (gnomAD; dbSNP rs141138948). Although this variant has been seen in the general population, its frequency is low enough to be consistent with a recessive carrier frequency. Computational prediction tools and conservational analyses suggest that this variant may impact the protein, though this information is not predictive enough to determine pathogenicity. The presence of this variant in combination with 8 variants (including 3 loss of function variants) and in individuals with pontocerebellar hypoplasia increases the likelihood that the p.Asp132Ala variant is pathogenic (PMID: 23975261, 22544365, 24524299; Variation ID: 129024, 31690, 488793, 31689). In summary, this variant meets criteria to be classified as pathogenic for pontocerebellar hypoplasia in an autosomal recessive manner based on the predicted impact of the variant and multiple occurrences with reported pathogenic EXOSC3 variants in individuals with the disease. ACMG/AMP Criteria applied: PM2, PP3, PM3_VeryStrong, PP1_Moderate (Richards 2015).

Genomic Research Center, Shahid Beheshti University of Medical Sciences
Classification: Pathogenic for Pontocerebellar hypoplasia type 1B. Last evaluated: 2017-12-03. Review status: criteria provided, single submitter. Criteria: ACMG Guidelines, 2015. Collection method: clinical testing. Allele origin: inherited. Affected: yes.

Eurofins Ntd Llc (ga)
Classification: Pathogenic. Last evaluated: 2017-03-08. Review status: criteria provided, single submitter. Criteria: EGL Classification Definitions 2015. Collection method: clinical testing. Allele origin: germline. Observed: 2 variant alleles, 2 homozygotes.

Kariminejad - Najmabadi Pathology & Genetics Center
Classification: Pathogenic for Hypotonia. Last evaluated: 2016-09-04. Review status: criteria provided, single submitter. Criteria: ACMG Guidelines, 2015. Collection method: clinical testing. Allele origin: germline. Affected: yes.

Center for Pediatric Genomic Medicine, Children's Mercy Hospital and Clinics
Classification: Pathogenic. Last evaluated: 2014-06-18. Review status: criteria provided, single submitter. Criteria: ACMG Guidelines, 2015. Collection method: clinical testing. Allele origin: germline.

Centre de Biologie Pathologie Génétique, Centre Hospitalier Universitaire de Lille
Classification: Pathogenic for Pontocerebellar hypoplasia type 1B. Review status: criteria provided, single submitter. Criteria: ACMG Guidelines, 2015. Collection method: clinical testing. Allele origin: inherited. Affected: yes.

Institute of Human Genetics, University Hospital of Duesseldorf
Classification: Pathogenic for Pontocerebellar hypoplasia type 1B. Review status: criteria provided, single submitter. Criteria: ACMG Guidelines, 2015. Collection method: not provided. Allele origin: germline. Inheritance: Autosomal recessive inheritance. Affected: yes.